The following is an entry in ClinVar:

ClinVar aggregate classification (germline): Uncertain significance. Review status: criteria provided, multiple submitters, no conflicts (2 of 4 stars). 3 submissions from 3 submitters: Uncertain significance (2). 1 of the submissions does not count toward it. Last evaluated 2024-01-28.

Conditions:
Hereditary cancer-predisposing syndrome. Also called: Neoplastic Syndromes, Hereditary; Hereditary Cancer Syndrome; Tumor predisposition; Hereditary neoplastic syndrome. Identifiers: Orphanet 140162, MedGen C0027672, MeSH D009386, MONDO:0015356.
Bloom syndrome (BLM). Also called: Bloom-Torre-Machacek syndrome. Identifiers: Orphanet 125, MedGen C0005859, MONDO:0008876, OMIM 210900.

gnomAD v4.1: 10 of 1,613,398 alleles (0.00062%); highest among the groups gnomAD compares: South Asian, 0.0011%; no homozygotes.

Submissions (3):

Labcorp Genetics (formerly Invitae), Labcorp
Classification: Uncertain significance for Bloom syndrome. Last evaluated: 2024-01-28. Review status: criteria provided, single submitter. Criteria: Invitae Variant Classification Sherloc (09022015). Collection method: clinical testing. Allele origin: germline.
Comment: This sequence change replaces proline, which is neutral and non-polar, with arginine, which is basic and polar, at codon 868 of the BLM protein (p.Pro868Arg). This variant is present in population databases (rs2227935, gnomAD 0.003%). This variant has not been reported in the literature in individuals affected with BLM-related conditions. ClinVar contains an entry for this variant (Variation ID: 575003). Advanced modeling of protein sequence and biophysical properties (such as structural, functional, and spatial information, amino acid conservation, physicochemical variation, residue mobility, and thermodynamic stability) performed at Invitae indicates that this missense variant is expected to disrupt BLM protein function with a positive predictive value of 80%. In summary, the available evidence is currently insufficient to determine the role of this variant in disease. Therefore, it has been classified as a Variant of Uncertain Significance.

Ambry Genetics
Classification: Uncertain significance for Hereditary cancer-predisposing syndrome. Last evaluated: 2023-12-16. Review status: criteria provided, single submitter. Criteria: Ambry Variant Classification Scheme 2023. Collection method: clinical testing. Allele origin: germline.
Comment: The p.P868R variant (also known as c.2603C>G), located in coding exon 12 of the BLM gene, results from a C to G substitution at nucleotide position 2603. The proline at codon 868 is replaced by arginine, an amino acid with dissimilar properties. This amino acid position is highly conserved in available vertebrate species. In addition, the in silico prediction for this alteration is inconclusive. Since supporting evidence is limited at this time, the clinical significance of this alteration remains unclear.

Natera, Inc.
Classification: Uncertain significance for Bloom syndrome. Last evaluated: 2021-04-14. Review status: no assertion criteria provided. Collection method: clinical testing. Allele origin: germline. Not counted in ClinVar's aggregate classification.

NM_000057.4(BLM):c.2603C>G (p.Pro868Arg)

Gene: BLM (BLM RecQ like helicase; plus strand). Cytogenetic location: 15q26.1.
Variant type: single nucleotide variant.
Coding change: c.2603C>G on transcript NM_000057.4 (MANE Select); coding-DNA position 2603, C replaced by G.
Protein change: p.Pro868Arg; replaces proline 868 with arginine.
Molecular consequence: missense variant.
Genome position (GRCh38, 1-based): chr15:90,782,869, C>G. VCF-style: chr15-90782869-C-G. GRCh37 (hg19) VCF-style: chr15-91326099-C-G.
Other names: c.2603C>G, p.Pro868Arg (NM_001287246.2, NM_001287247.2); c.1478C>G, p.Pro493Arg (NM_001287248.2); c.2603C>G (NM_000057.2); short protein forms P868R, P493R.
Identifiers: ClinVar variation 575003 (VCV000575003.11), dbSNP rs2227935, ClinGen allele CA7738826.